The following is an entry in ClinVar:

NM_024426.6(WT1):c.434T>G (p.Ile145Ser)

Genes: WT1 (WT1 transcription factor; minus strand), LOC107982234 (WT1/WT1-AS bi-directional promoter region; plus strand). Cytogenetic location: 11p13.
Variant type: single nucleotide variant.
Coding change: c.434T>G on transcript NM_024426.6 (MANE Select); coding-DNA position 434, T replaced by G.
Protein change: p.Ile145Ser; replaces isoleucine 145 with serine.
Molecular consequence: missense variant. On other transcripts: non-coding transcript variant (2).
Genome position (GRCh38, 1-based): chr11:32,434,927, A>C on the plus strand (T>G on the coding strand, the complement: WT1 is on the minus strand). VCF-style: chr11-32434927-A-C. GRCh37 (hg19) VCF-style: chr11-32456473-A-C.
Other names: c.434T>G, p.Ile145Ser (NM_000378.6, NM_001407044.1, NM_001407045.1 and 6 more transcripts); c.215T>G, p.Ile72Ser (NM_001429031.1, NM_001429032.1, NM_001429033.1 and 1 more transcripts); c.419T>G, p.Ile140Ser (NM_024425.2); short protein forms I140S, I145S, I72S.
Identifiers: ClinVar variation 3235157 (VCV003235157.1), dbSNP rs2494479956.

ClinVar aggregate classification (germline): Uncertain significance (1 of 4 stars; one submission).

Conditions:
Nephrotic syndrome, type 4 (NPHS4). Also called: Familial mesangial sclerosis; Nephrotic syndrome, early onset with diffuse mesangial sclerosis. Identifiers: Orphanet 656, MedGen C3151568, MONDO:0009733, OMIM 256370.

Submission:

MVZ Medizinische Genetik Mainz
Classification: Uncertain significance for Nephrotic syndrome, type 4. Last evaluated: 2022-01-05. Review status: criteria provided, single submitter. Criteria: UK Practice Guidelines For Variant Classification V4 01 2020. Collection method: clinical testing. Allele origin: germline. Inheritance: Autosomal dominant inheritance. Affected: yes. Observed: 1 variant allele.
Comment: ACMG Criteria: PM2_SUP, PP3 (ACMG Version 3)